The following is an entry in ClinVar:

NM_001082538.3(TCTN1):c.1494+1G>A

Gene: TCTN1 (tectonic family member 1; plus strand). Cytogenetic location: 12q24.11.
Variant type: single nucleotide variant.
Coding change: c.1494+1G>A on transcript NM_001082538.3 (MANE Select); the canonical splice donor site of the intron after coding-DNA position 1494, G replaced by A.
Molecular consequence: splice donor variant.
Genome position (GRCh38, 1-based): chr12:110,645,130, G>A. VCF-style: chr12-110645130-G-A. GRCh37 (hg19) VCF-style: chr12-111082935-G-A.
Other names: c.1326+1G>A (NM_001173975.3); c.1167+1G>A (NM_001173976.2); c.960+1G>A (NM_001319681.2); c.1452+1G>A (NM_024549.6); c.1494+1G>A (NM_001082537.3); c.1347+1G>A (NM_001319680.2).
Identifiers: ClinVar variation 1339906 (VCV001339906.8), dbSNP rs1165243207, ClinGen allele CA386705987.

ClinVar aggregate classification (germline): Likely pathogenic. Review status: criteria provided, multiple submitters, no conflicts (2 of 4 stars). 3 submissions from 3 submitters: Likely pathogenic (3). Last evaluated 2024-06-16.

Conditions:
Joubert syndrome. Also called: Familial aplasia of the vermis; JOUBERT-BOLTSHAUSER SYNDROME. Identifiers: Orphanet 475, MedGen C5979921, MONDO:0018772.
Meckel-Gruber syndrome. Also called: GRUBER SYNDROME; Dysencephalia splachnocystica; DYSENCEPHALIA SPLANCHNOCYSTICA. Identifiers: Orphanet 564, MedGen C0265215, MONDO:0018921.
TCTN1-related disorder. Also called: TCTN1-related condition.
Joubert syndrome 13 (JBTS13). Identifiers: Orphanet 475, MedGen C3280031, MONDO:0013608, OMIM 614173.

Allele frequency attached by ClinVar (database versions not stated): gnomAD exomes below 0.00001; TOPMed below 0.00001.
gnomAD v4.1: 1 of 1,613,918 alleles (0.000062%); highest among the groups gnomAD compares: East Asian, 0.0022%; no homozygotes.

Submissions (3):

Fulgent Genetics
Classification: Likely pathogenic for Joubert syndrome 13. Last evaluated: 2024-06-16. Review status: criteria provided, single submitter. Criteria: ACMG Guidelines, 2015. Collection method: clinical testing. Allele origin: germline.

Blueprint Genetics
Classification: Likely pathogenic for TCTN1-related disorders. Last evaluated: 2023-12-09. Review status: criteria provided, single submitter. Criteria: ACMG Guidelines, 2015. Collection method: clinical testing. Allele origin: germline. Affected: yes. Observed: 1 variant allele.

Labcorp Genetics (formerly Invitae), Labcorp
Classification: Likely pathogenic for Joubert syndrome; Meckel-Gruber syndrome. Last evaluated: 2022-11-21. Review status: criteria provided, single submitter. Criteria: Invitae Variant Classification Sherloc (09022015). Collection method: clinical testing. Allele origin: germline.
Comment: This sequence change affects a donor splice site in intron 12 of the TCTN1 gene. It is expected to disrupt RNA splicing. Variants that disrupt the donor or acceptor splice site typically lead to a loss of protein function (PMID: 16199547), and loss-of-function variants in TCTN1 are known to be pathogenic (PMID: 21725307, 22693042, 27894351). This variant is present in population databases (no rsID available, gnomAD 0.006%). Disruption of this splice site has been observed in individual(s) with TCTN1-related conditions (PMID: 31302911). It has also been observed to segregate with disease in related individuals. ClinVar contains an entry for this variant (Variation ID: 1339906). Studies have shown that disruption of this splice site is associated with altered splicing resulting in multiple RNA products (PMID: 31302911). In summary, the currently available evidence indicates that the variant is pathogenic, but additional data are needed to prove that conclusively. Therefore, this variant has been classified as Likely Pathogenic.

Literature cited by the submitters: PubMed 16199547 (cited by Labcorp Genetics (formerly Invitae), Labcorp); PubMed 21725307 (cited by Labcorp Genetics (formerly Invitae), Labcorp); PubMed 22693042 (cited by Labcorp Genetics (formerly Invitae), Labcorp); PubMed 27894351 (cited by Labcorp Genetics (formerly Invitae), Labcorp); PubMed 31302911 (cited by Labcorp Genetics (formerly Invitae), Labcorp).